The following is an entry in ClinVar:

NM_030962.4(SBF2):c.5030C>T (p.Thr1677Ile)

Genes: SBF2 (SET binding factor 2; minus strand), SBF2-AS1 (SBF2 antisense RNA 1; plus strand), LOC105369149 (uncharacterized LOC105369149; plus strand). Cytogenetic location: 11p15.4.
Variant type: single nucleotide variant.
Coding change: c.5030C>T on transcript NM_030962.4 (MANE Select); coding-DNA position 5030, C replaced by T.
Protein change: p.Thr1677Ile; replaces threonine 1677 with isoleucine.
Molecular consequence: missense variant.
Genome position (GRCh38, 1-based): chr11:9,787,641, G>A on the plus strand (C>T on the coding strand, the complement: SBF2 is on the minus strand). VCF-style: chr11-9787641-G-A. GRCh37 (hg19) VCF-style: chr11-9809188-G-A.
Other names: c.5126C>T, p.Thr1709Ile (NM_001386339.1); c.4901C>T, p.Thr1634Ile (NM_001386342.1); c.5030C>T (NM_030962.3); short protein forms T1634I, T1709I, T1677I.
Identifiers: ClinVar variation 1514527 (VCV001514527.9), dbSNP rs760027294, ClinGen allele CA5880835.
Genomic context (GRCh38, chr11:9,787,641, plus strand): 5'-TTAGCACCCTCAGAAAGCTCAGAAGTGGCTCTCAAGGGGCATTGCCAACTCACGCGATCT[G>A]TTCTTGGTTCTTCTTTAAGGTCCACGGTTACCCTTTCCCACAGCTGCTGCCACTTCTCAG-3'
Protein context (NP_112224.1, residues 1667-1687): VTVDLKEEPR[Thr1677Ile]DRSQRHLSRS

ClinVar aggregate classification (germline): Uncertain significance. Review status: criteria provided, multiple submitters, no conflicts (2 of 4 stars). 2 submissions from 2 submitters: Uncertain significance (2). Last evaluated 2025-11-20.

Conditions:
Inborn genetic diseases. Identifiers: MedGen C0950123, MeSH D030342.
Charcot-Marie-Tooth disease type 4. Also called: Charcot-Marie-Tooth, Type 4; Charcot-Marie-Tooth disease, type IV. Identifiers: Orphanet 64749, MedGen C4082197, MONDO:0018995.

Allele frequency attached by ClinVar (database versions not stated): gnomAD exomes below 0.00001; TOPMed below 0.00001; ExAC 0.00001.
gnomAD v4.1: 2 of 1,613,974 alleles (0.00012%); highest among the groups gnomAD compares: Non-Finnish European, 0.00017%; no homozygotes.

Submissions (2):

Ambry Genetics
Classification: Uncertain significance for Inborn genetic diseases. Last evaluated: 2025-11-20. Review status: criteria provided, single submitter. Criteria: Ambry Variant Classification Scheme 2023. Collection method: clinical testing. Allele origin: germline.

Labcorp Genetics (formerly Invitae), Labcorp
Classification: Uncertain significance for Charcot-Marie-Tooth disease type 4. Last evaluated: 2021-05-05. Review status: criteria provided, single submitter. Criteria: Invitae Variant Classification Sherloc (09022015). Collection method: clinical testing. Allele origin: germline.
Comment: Algorithms developed to predict the effect of missense changes on protein structure and function output the following: SIFT: "Tolerated"; PolyPhen-2: "Benign"; Align-GVGD: "Class C0". The isoleucine amino acid residue is found in multiple mammalian species, suggesting that this missense change does not adversely affect protein function. These predictions have not been confirmed by published functional studies and their clinical significance is uncertain. In summary, the available evidence is currently insufficient to determine the role of this variant in disease. Therefore, it has been classified as a Variant of Uncertain Significance. This variant has not been reported in the literature in individuals with SBF2-related conditions. This variant is present in population databases (rs760027294, ExAC 0.001%). This sequence change replaces threonine with isoleucine at codon 1677 of the SBF2 protein (p.Thr1677Ile). The threonine residue is weakly conserved and there is a moderate physicochemical difference between threonine and isoleucine.